The following is an entry in ClinVar:

ClinVar aggregate classification (germline): Conflicting classifications of pathogenicity. Review status: criteria provided, conflicting classifications (1 of 4 stars). 3 submissions from 3 submitters: Uncertain significance (2); Benign (1). Last evaluated 2026-01-01.

Conditions:
NSD1-related disorder. Also called: NSD1-related condition.

Allele frequency attached by ClinVar (database versions not stated): ExAC 0.00001; gnomAD exomes 0.00001 and 0.00004; TOPMed 0.00003; gnomAD 0.00007.
gnomAD v4.1: 20 of 1,614,048 alleles (0.0012%); highest among the groups gnomAD compares: Admixed American, 0.032%; no homozygotes.

Submissions (3):

CeGaT Center for Human Genetics Tuebingen
Classification: Uncertain significance. Last evaluated: 2026-01-01. Review status: criteria provided, single submitter. Criteria: CeGaT Center For Human Genetics Tuebingen Variant Classification Criteria Version 2. Collection method: clinical testing. Allele origin: germline. Affected: yes. Observed: 1 variant allele.

Labcorp Genetics (formerly Invitae), Labcorp
Classification: Benign. Last evaluated: 2025-08-06. Review status: criteria provided, single submitter. Criteria: Invitae Variant Classification Sherloc (09022015). Collection method: clinical testing. Allele origin: germline.

PreventionGenetics, part of Exact Sciences
Classification: Uncertain significance for NSD1-related condition. Last evaluated: 2023-04-12. Review status: criteria provided, single submitter. Criteria: ACMG Guidelines, 2015. Collection method: clinical testing. Allele origin: germline.
Comment: The NSD1 c.340A>G variant is predicted to result in the amino acid substitution p.Thr114Ala. To our knowledge, this variant has not been reported in the literature. This variant is reported in 0.023% of alleles in individuals of Latino descent in gnomAD. Although we suspect that this variant may be benign, at this time, the clinical significance of this variant is uncertain due to the absence of conclusive functional and genetic evidence.

NM_022455.5(NSD1):c.340A>G (p.Thr114Ala)

Gene: NSD1 (nuclear receptor binding SET domain protein 1; plus strand). Cytogenetic location: 5q35.3.
Variant type: single nucleotide variant.
Coding change: c.340A>G on transcript NM_022455.5 (MANE Select); coding-DNA position 340, A replaced by G.
Protein change: p.Thr114Ala; replaces threonine 114 with alanine.
Molecular consequence: missense variant. On other transcripts: intron variant (7).
Genome position (GRCh38, 1-based): chr5:177,135,443, A>G. VCF-style: chr5-177135443-A-G. GRCh37 (hg19) VCF-style: chr5-176562444-A-G.
Other names: c.340A>G, p.Thr114Ala (NM_001409301.1, NM_001409302.1, NM_001409303.1 and 1 more transcripts); c.-37+243A>G (NM_001409305.1, NM_001409306.1, NM_001409308.1 and 4 more transcripts); short protein forms T114A.
Identifiers: ClinVar variation 1450790 (VCV001450790.13), dbSNP rs749444972, ClinGen allele CA3576869.
Genomic context (GRCh38, chr5:177,135,443, plus strand): 5'-TCAGAATCCTTTCAAGACCCTGAAAAAAGTGATTCAAGAGCTCAGACGCCAATTGTTTGC[A>G]CTTCCTTGAGTCCTGGTGGTCCTACAGCACTTGCTATGAAACAGGAACCCTCTTGTAATA-3'
Protein context (NP_071900.2, residues 104-124): DSRAQTPIVC[Thr114Ala]SLSPGGPTAL